The following is an entry in ClinVar:

ClinVar aggregate classification (germline): Pathogenic (1 of 4 stars; one submission).

Conditions:
Mucopolysaccharidosis type 6 (MPS6). Also called: MPS VI; N-ACETYLGALACTOSAMINE-4-SULFATASE DEFICIENCY; ARSB DEFICIENCY; ARYLSULFATASE B DEFICIENCY; MPS 6; Maroteaux Lamy syndrome. Identifiers: Orphanet 583, MedGen C0026709, MONDO:0009661, OMIM 253200.

Submission:

Labcorp Genetics (formerly Invitae), Labcorp
Classification: Pathogenic for Mucopolysaccharidosis type 6. Last evaluated: 2019-03-20. Review status: criteria provided, single submitter. Criteria: Invitae Variant Classification Sherloc (09022015). Collection method: clinical testing. Allele origin: germline.
Comment: Loss-of-function variants in ARSB are known to be pathogenic (PMID: 17458871, 22133300). This variant has not been reported in the literature in individuals with ARSB-related conditions. Algorithms developed to predict the effect of sequence changes on RNA splicing suggest that this variant may create or strengthen a splice site, but this prediction has not been confirmed by published transcriptional studies. For these reasons, this variant has been classified as Pathogenic. This sequence change creates a premature translational stop signal (p.Glu346*) in the ARSB gene. It is expected to result in an absent or disrupted protein product. This variant is not present in population databases (ExAC no frequency).

Literature cited by the submitters: PubMed 17458871; PubMed 22133300.

NM_000046.5(ARSB):c.1036G>T (p.Glu346Ter)

Gene: ARSB (arylsulfatase B; minus strand). Cytogenetic location: 5q14.1.
Variant type: single nucleotide variant.
Coding change: c.1036G>T on transcript NM_000046.5 (MANE Select); coding-DNA position 1036, G replaced by T.
Protein change: p.Glu346Ter; replaces glutamic acid 346 with a stop codon.
Molecular consequence: nonsense.
Genome position (GRCh38, 1-based): chr5:78,885,690, C>A on the plus strand (G>T on the coding strand, the complement: ARSB is on the minus strand). VCF-style: chr5-78885690-C-A. GRCh37 (hg19) VCF-style: chr5-78181513-C-A.
Other names: c.1036G>T, p.Glu346Ter (NM_198709.3); short protein forms E346*.
Identifiers: ClinVar variation 862387 (VCV000862387.8), dbSNP rs1747989303, ClinGen allele CA360343014.
Genomic context (GRCh38, chr5:78,885,690, plus strand): 5'-TGGTGTGTCCCCTGGCCAGCTTCACGAGTGTTGGCAGCCAGTCAGAGATGTGGATGAGCT[C>A]CCGGTTCTTCACGCCCTTCTGCTTCAGCAAGGGGCTTGCCACAAAGCCCACCCCTCGGAC-3'